The following is an entry in ClinVar:

NM_001081.4(CUBN):c.884-8T>C

Gene: CUBN (cubilin; minus strand). Cytogenetic location: 10p13.
Variant type: single nucleotide variant.
Coding change: c.884-8T>C on transcript NM_001081.4 (MANE Select); 8 bases into the intron before coding-DNA position 884, T replaced by C.
Molecular consequence: intron variant.
Genome position (GRCh38, 1-based): chr10:17,111,058, A>G on the plus strand (T>C on the coding strand, the complement: CUBN is on the minus strand). VCF-style: chr10-17111058-A-G. GRCh37 (hg19) VCF-style: chr10-17153057-A-G.
Other names: c.884-8T>C (NM_001081.3).
Identifiers: ClinVar variation 2974678 (VCV002974678.4), dbSNP rs764612252, ClinGen allele CA5425473.

ClinVar aggregate classification (germline): Likely benign. Review status: criteria provided, single submitter (1 of 4 stars). 2 submissions from 2 submitters: Likely benign (1). 1 of the submissions does not count toward it. Last evaluated 2025-01-20.

Conditions:
CUBN-related disorder. Also called: CUBN-related condition.
Imerslund-Grasbeck syndrome. Also called: Megaloblastic anemia due to inborn errors of metabolism; Imerslund-Gräsbeck syndrome; ENTEROCYTE COBALAMIN MALABSORPTION; ENTEROCYTE INTRINSIC FACTOR RECEPTOR, DEFECT OF; PERNICIOUS ANEMIA, JUVENILE, DUE TO SELECTIVE INTESTINAL MALABSORPTION OF VITAMIN B12, WITH PROTEINURIA. Identifiers: Orphanet 35858, MedGen C4551825, MONDO:0009853.

Allele frequency attached by ClinVar (database versions not stated): ExAC 0.00001; TOPMed 0.00001; gnomAD exomes 0.00003.
gnomAD v4.1: 37 of 1,614,172 alleles (0.0023%); highest among the groups gnomAD compares: Non-Finnish European, 0.0031%; no homozygotes.

Submissions (2):

Labcorp Genetics (formerly Invitae), Labcorp
Classification: Likely benign for Imerslund-Grasbeck syndrome. Last evaluated: 2025-01-20. Review status: criteria provided, single submitter. Criteria: Invitae Variant Classification Sherloc (09022015). Collection method: clinical testing. Allele origin: germline.

PreventionGenetics, part of Exact Sciences
Classification: Likely benign for CUBN-related condition. Last evaluated: 2020-02-24. Review status: no assertion criteria provided. Collection method: clinical testing. Allele origin: germline. Not counted in ClinVar's aggregate classification.
Comment: This variant is classified as likely benign based on ACMG/AMP sequence variant interpretation guidelines (Richards et al. 2015 PMID: 25741868, with internal and published modifications).